The following is an entry in ClinVar:

NM_001165963.4(SCN1A):c.241G>T (p.Asp81Tyr)

Gene: SCN1A (sodium voltage-gated channel alpha subunit 1; minus strand). Cytogenetic location: 2q24.3.
Variant type: single nucleotide variant.
Coding change: c.241G>T on transcript NM_001165963.4 (MANE Select); coding-DNA position 241, G replaced by T.
Protein change: p.Asp81Tyr; replaces aspartic acid 81 with tyrosine.
Molecular consequence: missense variant. On other transcripts: 5 prime UTR variant (1), non-coding transcript variant (1).
Genome position (GRCh38, 1-based): chr2:166,073,381, C>A on the plus strand (G>T on the coding strand, the complement: SCN1A is on the minus strand). VCF-style: chr2-166073381-C-A. GRCh37 (hg19) VCF-style: chr2-166929891-C-A.
Other names: c.241G>T, p.Asp81Tyr (NM_001353951.2, NM_001353952.2, NM_001353954.2 and 10 more transcripts); c.-2185G>T (NM_001353961.2); short protein forms D81Y.
Identifiers: ClinVar variation 2024986 (VCV002024986.4), dbSNP rs2468364026, ClinGen allele CA349242688.

ClinVar aggregate classification (germline): Likely pathogenic (1 of 4 stars; one submission).

Conditions:
Early-infantile DEE. Also called: Ohtahara syndrome; Early infantile epileptic encephalopathy with suppression bursts; Early infantile epileptic encephalopathy. Identifiers: Orphanet 1934, MedGen C0393706, MONDO:0800491.

Submission:

Labcorp Genetics (formerly Invitae), Labcorp
Classification: Likely pathogenic for Early-infantile DEE. Last evaluated: 2022-10-12. Review status: criteria provided, single submitter. Criteria: Invitae Variant Classification Sherloc (09022015). Collection method: clinical testing. Allele origin: germline.
Comment: In summary, the currently available evidence indicates that the variant is pathogenic, but additional data are needed to prove that conclusively. Therefore, this variant has been classified as Likely Pathogenic. This variant disrupts the p.Asp81 amino acid residue in SCN1A. Other variant(s) that disrupt this residue have been determined to be pathogenic (PMID: 26169758, 29745119). This suggests that this residue is clinically significant, and that variants that disrupt this residue are likely to be disease-causing. Advanced modeling of protein sequence and biophysical properties (such as structural, functional, and spatial information, amino acid conservation, physicochemical variation, residue mobility, and thermodynamic stability) performed at Invitae indicates that this missense variant is expected to disrupt SCN1A protein function. This variant has not been reported in the literature in individuals affected with SCN1A-related conditions. This variant is not present in population databases (gnomAD no frequency). This sequence change replaces aspartic acid, which is acidic and polar, with tyrosine, which is neutral and polar, at codon 81 of the SCN1A protein (p.Asp81Tyr).

Literature cited by the submitters: PubMed 26169758; PubMed 29745119.